The following is an entry in ClinVar:

NM_201596.3(CACNB2):c.1154G>C (p.Ser385Thr)

Gene: CACNB2 (calcium voltage-gated channel auxiliary subunit beta 2; plus strand). Cytogenetic location: 10p12.31.
Variant type: single nucleotide variant.
Coding change: c.1154G>C on transcript NM_201596.3 (MANE Select); coding-DNA position 1154, G replaced by C.
Protein change: p.Ser385Thr; replaces serine 385 with threonine.
Molecular consequence: missense variant.
Genome position (GRCh38, 1-based): chr10:18,534,175, G>C. VCF-style: chr10-18534175-G-C. GRCh37 (hg19) VCF-style: chr10-18823104-G-C.
Other names: c.989G>C, p.Ser330Thr (NM_000724.4); c.956G>C, p.Ser319Thr (NM_001167945.2); c.875G>C, p.Ser292Thr (NM_001330060.2); c.896G>C, p.Ser299Thr (NM_001410882.1); c.1010G>C, p.Ser337Thr (NM_201570.3); c.1070G>C, p.Ser357Thr (NM_201571.4); c.998G>C, p.Ser333Thr (NM_201572.4); c.992G>C, p.Ser331Thr (NM_201590.3); and 2 more; short protein forms S331T, S337T, S361T, S385T, S292T, S330T, S357T, S319T.
Identifiers: ClinVar variation 1768641 (VCV001768641.2), dbSNP rs770400596, ClinGen allele CA5429920.
Genomic context (GRCh38, chr10:18,534,175, plus strand): 5'-CAAGAACATTGCAGTTGGTGGTCCTTGACGCGGATACAATTAATCATCCAGCTCAACTCA[G>C]TAAAACCTCCTTGGCCCCTATTATAGTATATGTAAAGATTTCTTCTCCTAAGGTAAGTAG-3'
Protein context (NP_963890.2, residues 375-395): ADTINHPAQL[Ser385Thr]KTSLAPIIVY

ClinVar aggregate classification (germline): Uncertain significance (1 of 4 stars; one submission).

Conditions:
Cardiovascular phenotype. Identifiers: MedGen CN230736.

Allele frequency attached by ClinVar (database versions not stated): ExAC 0.00001.
gnomAD v4.1: 5 of 1,613,756 alleles (0.00031%); highest among the groups gnomAD compares: Non-Finnish European, 0.00034%; no homozygotes.

Submission:

Ambry Genetics
Classification: Uncertain significance for Cardiovascular phenotype. Last evaluated: 2022-07-29. Review status: criteria provided, single submitter. Criteria: Ambry Variant Classification Scheme 2023. Collection method: clinical testing. Allele origin: germline.
Comment: The p.S331T variant (also known as c.992G>C), located in coding exon 10 of the CACNB2 gene, results from a G to C substitution at nucleotide position 992. The serine at codon 331 is replaced by threonine, an amino acid with similar properties. This amino acid position is conserved. In addition, this alteration is predicted to be tolerated by in silico analysis. Since supporting evidence is limited at this time, the clinical significance of this alteration remains unclear.